The following is an entry in ClinVar:

ClinVar aggregate classification (germline): Uncertain significance (1 of 4 stars; one submission).

gnomAD v4.1: 1 of 1,203,584 alleles (0.000083%); highest among the groups gnomAD compares: African/African-American, 0.0017%; no homozygotes.

Submission:

Labcorp Genetics (formerly Invitae), Labcorp
Classification: Uncertain significance. Last evaluated: 2022-11-01. Review status: criteria provided, single submitter. Criteria: Invitae Variant Classification Sherloc (09022015). Collection method: clinical testing. Allele origin: germline.
Comment: This variant has not been reported in the literature in individuals affected with CACNA1F-related conditions. In summary, the available evidence is currently insufficient to determine the role of this variant in disease. Therefore, it has been classified as a Variant of Uncertain Significance. Advanced modeling of protein sequence and biophysical properties (such as structural, functional, and spatial information, amino acid conservation, physicochemical variation, residue mobility, and thermodynamic stability) performed at Invitae indicates that this missense variant is expected to disrupt CACNA1F protein function. ClinVar contains an entry for this variant (Variation ID: 1348661). This variant is not present in population databases (gnomAD no frequency). This sequence change replaces phenylalanine, which is neutral and non-polar, with leucine, which is neutral and non-polar, at codon 697 of the CACNA1F protein (p.Phe697Leu).

NM_001256789.3(CACNA1F):c.2058C>G (p.Phe686Leu)

Gene: CACNA1F (calcium voltage-gated channel subunit alpha1 F; minus strand). Cytogenetic location: Xp11.23.
Variant type: single nucleotide variant.
Coding change: c.2058C>G on transcript NM_001256789.3 (MANE Select); coding-DNA position 2058, C replaced by G.
Protein change: p.Phe686Leu; replaces phenylalanine 686 with leucine.
Molecular consequence: missense variant.
Genome position (GRCh38, 1-based): chrX:49,222,956, G>C on the plus strand (C>G on the coding strand, the complement: CACNA1F is on the minus strand). VCF-style: chrX-49222956-G-C. GRCh37 (hg19) VCF-style: chrX-49079415-G-C.
Other names: c.1896C>G, p.Phe632Leu (NM_001256790.3); c.2091C>G, p.Phe697Leu (NM_005183.4); short protein forms F632L, F686L, F697L.
Identifiers: ClinVar variation 1348661 (VCV001348661.8), dbSNP rs2147914056, ClinGen allele CA412911518.